The following is an entry in ClinVar:

NM_024989.4(PGAP1):c.1952+1G>C

Gene: PGAP1 (post-GPI attachment to proteins inositol deacylase 1; minus strand). Cytogenetic location: 2q33.1.
Variant type: single nucleotide variant.
Coding change: c.1952+1G>C on transcript NM_024989.4 (MANE Select); the canonical splice donor site of the intron after coding-DNA position 1952, G replaced by C.
Molecular consequence: splice donor variant.
Genome position (GRCh38, 1-based): chr2:196,847,946, C>G on the plus strand (G>C on the coding strand, the complement: PGAP1 is on the minus strand). VCF-style: chr2-196847946-C-G. GRCh37 (hg19) VCF-style: chr2-197712670-C-G.
Other names: c.785+1G>C (NM_001321100.2); c.1430+1G>C (NM_001321099.2).
Identifiers: ClinVar variation 1072363 (VCV001072363.9), dbSNP rs587777202, ClinGen allele CA2040748.

ClinVar aggregate classification (germline): Pathogenic (1 of 4 stars; one submission).

Conditions:
Intellectual disability, autosomal recessive 42 (NEDDSBA). Also called: GLYCOSYLPHOSPHATIDYLINOSITOL BIOSYNTHESIS DEFECT 9; Neurodevelopmental disorder with dysmorphic features, spasticity, and brain abnormalities. Identifiers: Orphanet 88616, MedGen C4014343, MONDO:0014348, OMIM 615802.

Allele frequency attached by ClinVar (database versions not stated): TOPMed below 0.00001; gnomAD 0.00001.
gnomAD v4.1: 3 of 1,557,508 alleles (0.00019%); highest among the groups gnomAD compares: Admixed American, 0.0039%; no homozygotes.

Submission:

Labcorp Genetics (formerly Invitae), Labcorp
Classification: Pathogenic for Intellectual disability, autosomal recessive 42. Last evaluated: 2022-06-27. Review status: criteria provided, single submitter. Criteria: Invitae Variant Classification Sherloc (09022015). Collection method: clinical testing. Allele origin: germline.
Comment: For these reasons, this variant has been classified as Pathogenic. Algorithms developed to predict the effect of sequence changes on RNA splicing suggest that this variant may disrupt the consensus splice site. ClinVar contains an entry for this variant (Variation ID: 1072363). Disruption of this splice site has been observed in individual(s) with hereditary spastic paraplegia (PMID: 24482476). It has also been observed to segregate with disease in related individuals. This variant is not present in population databases (gnomAD no frequency). This sequence change affects a donor splice site in intron 21 of the PGAP1 gene. It is expected to disrupt RNA splicing. Variants that disrupt the donor or acceptor splice site typically lead to a loss of protein function (PMID: 16199547), and loss-of-function variants in PGAP1 are known to be pathogenic (PMID: 17711852, 26050939, 27848944).

Literature cited by the submitters: PubMed 24482476; PubMed 16199547; PubMed 17711852; PubMed 26050939; PubMed 27848944.